The following is an entry in ClinVar:

ClinVar aggregate classification (germline): Uncertain significance (1 of 4 stars; one submission).

Submission:

Dasa
Classification: Uncertain significance. Last evaluated: 2025-01-23. Review status: criteria provided, single submitter. Criteria: DASA Assertion Criteria. Collection method: clinical testing. Allele origin: germline.
Comment: NM_001081550.2(THOC2):c.2513A>G (p.Lys838Arg) is a missense variant that results in the substitution of lysine with arginine. This variant is absent from population databases. Computational prediction algorithms are consistent with a benign effect. The currently available literature and clinical evidence are not sufficient to establish a definitive association between this variant and the reported condition. Therefore, this variant is classified as a variant of uncertain significance.

NM_001081550.2(THOC2):c.2513A>G (p.Lys838Arg)

Gene: THOC2 (THO complex subunit 2; minus strand). Cytogenetic location: Xq25.
Variant type: single nucleotide variant.
Coding change: c.2513A>G on transcript NM_001081550.2 (MANE Select); coding-DNA position 2513, A replaced by G.
Protein change: p.Lys838Arg; replaces lysine 838 with arginine.
Molecular consequence: missense variant.
Genome position (GRCh38, 1-based): chrX:123,627,937, T>C on the plus strand (A>G on the coding strand, the complement: THOC2 is on the minus strand). VCF-style: chrX-123627937-T-C. GRCh37 (hg19) VCF-style: chrX-122761788-T-C.
Other names: c.2513A>G, p.Lys838Arg (NM_001441235.1, NM_001441236.1); short protein forms K838R.
Identifiers: ClinVar variation 4882294 (VCV004882294.2).